The following is an entry in ClinVar:

ClinVar aggregate classification (germline): Likely benign (1 of 4 stars; one submission).

Conditions:
HDAC4-related disorder. Also called: HDAC4-related condition.

gnomAD v4.1: 5 of 1,613,448 alleles (0.00031%); highest among the groups gnomAD compares: Non-Finnish European, 0.00042%; no homozygotes.

Submission:

PreventionGenetics, part of Exact Sciences
Classification: Likely benign for HDAC4-related condition. Last evaluated: 2025-11-10. Review status: criteria provided, single submitter. Criteria: ACMG Guidelines, 2015. Collection method: clinical testing. Allele origin: germline.
Comment: This variant is classified as likely benign based on ACMG/AMP sequence variant interpretation guidelines (Richards et al. 2015 PMID: 25741868, with internal and published modifications).

NM_001378414.1(HDAC4):c.2508G>A (p.Val836=)

Gene: HDAC4 (histone deacetylase 4; minus strand). Cytogenetic location: 2q37.3.
Variant type: single nucleotide variant.
Coding change: c.2508G>A on transcript NM_001378414.1 (MANE Select); coding-DNA position 2508, G replaced by A.
Protein change: p.Val836=; no amino-acid change (valine 836 retained).
Molecular consequence: synonymous variant.
Genome position (GRCh38, 1-based): chr2:239,084,179, C>T on the plus strand (G>A on the coding strand, the complement: HDAC4 is on the minus strand). VCF-style: chr2-239084179-C-T. GRCh37 (hg19) VCF-style: chr2-240005875-C-T.
Other names: c.2508G>A, p.Val836= (NM_001378415.1); c.2493G>A, p.Val831= (NM_001378416.1, NM_001378417.1, NM_006037.4); c.2427G>A, p.Val809= (NM_001435991.1, NM_001435992.1); c.2349G>A, p.Val783= (NM_001435993.1).
Identifiers: ClinVar variation 4980077 (VCV004980077.1).